The following is an entry in ClinVar:

NM_002875.5(RAD51):c.445G>T (p.Asp149Tyr)

Gene: RAD51 (RAD51 recombinase; plus strand). Cytogenetic location: 15q15.1.
Variant type: single nucleotide variant.
Coding change: c.445G>T on transcript NM_002875.5 (MANE Select); coding-DNA position 445, G replaced by T.
Protein change: p.Asp149Tyr; replaces aspartic acid 149 with tyrosine.
Molecular consequence: missense variant.
Genome position (GRCh38, 1-based): chr15:40,718,814, G>T. VCF-style: chr15-40718814-G-T. GRCh37 (hg19) VCF-style: chr15-41011012-G-T.
Other names: c.448G>T, p.Asp150Tyr (NM_001164269.2, NM_133487.4); c.445G>T, p.Asp149Tyr (NM_001164270.2); short protein forms D149Y, D150Y.
Identifiers: ClinVar variation 1740771 (VCV001740771.2), dbSNP rs2504485688, ClinGen allele CA391753258.

ClinVar aggregate classification (germline): Uncertain significance (1 of 4 stars; one submission).

Conditions:
Inborn genetic diseases. Identifiers: MedGen C0950123, MeSH D030342.

Submission:

Ambry Genetics
Classification: Uncertain significance for Inborn genetic diseases. Last evaluated: 2021-12-11. Review status: criteria provided, single submitter. Criteria: Ambry Variant Classification Scheme 2023. Collection method: clinical testing. Allele origin: germline.
Comment: The p.D149Y variant (also known as c.445G>T), located in coding exon 5 of the RAD51 gene, results from a G to T substitution at nucleotide position 445. The aspartic acid at codon 149 is replaced by tyrosine, an amino acid with highly dissimilar properties. This amino acid position is conserved. In addition, the in silico prediction for this alteration is inconclusive. Since supporting evidence is limited at this time, the clinical significance of this alteration remains unclear.